The following is an entry in ClinVar:

ClinVar aggregate classification (germline): Likely benign (1 of 4 stars; one submission).

Conditions:
DNAJC5-related disorder. Also called: DNAJC5-related condition.

gnomAD v4.1: 3 of 1,611,858 alleles (0.00019%); highest among the groups gnomAD compares: Non-Finnish European, 0.00017%; no homozygotes.

Submission:

PreventionGenetics, part of Exact Sciences
Classification: Likely benign for DNAJC5-related condition. Last evaluated: 2025-09-12. Review status: criteria provided, single submitter. Criteria: ACMG Guidelines, 2015. Collection method: clinical testing. Allele origin: germline.
Comment: This variant is classified as likely benign based on ACMG/AMP sequence variant interpretation guidelines (Richards et al. 2015 PMID: 25741868, with internal and published modifications).

NM_025219.3(DNAJC5):c.322-8C>T

Gene: DNAJC5 (DnaJ heat shock protein family (Hsp40) member C5; plus strand). Cytogenetic location: 20q13.33.
Variant type: single nucleotide variant.
Coding change: c.322-8C>T on transcript NM_025219.3 (MANE Select); 8 bases into the intron before coding-DNA position 322, C replaced by T.
Molecular consequence: intron variant.
Genome position (GRCh38, 1-based): chr20:63,930,843, C>T. VCF-style: chr20-63930843-C-T. GRCh37 (hg19) VCF-style: chr20-62562196-C-T.
Identifiers: ClinVar variation 4987168 (VCV004987168.1).